The following is an entry in ClinVar:

NM_001855.5(COL15A1):c.952+9G>A

Gene: COL15A1 (collagen type XV alpha 1 chain; plus strand). Cytogenetic location: 9q22.33.
Variant type: single nucleotide variant.
Coding change: c.952+9G>A on transcript NM_001855.5 (MANE Select); 9 bases into the intron after coding-DNA position 952, G replaced by A.
Molecular consequence: intron variant.
Genome position (GRCh38, 1-based): chr9:98,997,090, G>A. VCF-style: chr9-98997090-G-A. GRCh37 (hg19) VCF-style: chr9-101759372-G-A.
Identifiers: ClinVar variation 3060282 (VCV003060282.2), dbSNP rs3818760, ClinGen allele CA5154726.
Genomic context (GRCh38, chr9:98,997,090, plus strand): 5'-ACCCTGGAAACCACCAACATGAGCATCATCCAGCACAGCAGCCCCAAACAAGGCAAGTCC[G>A]GATGCACATGCCTACGTAGTGGCCTTTTATTGGGTGATTACTATGTGTCCAGCCGGGGCC-3'

ClinVar aggregate classification (germline): Benign (0 of 4 stars; one submission).

Conditions:
COL15A1-related disorder. Also called: COL15A1-related condition.

Allele frequency attached by ClinVar (database versions not stated): ESP Exome Variant Server 0.00161; gnomAD exomes 0.01126; gnomAD 0.01469; TOPMed 0.02210; ExAC 0.03350; 1000 Genomes Project 0.05511; 1000 Genomes Project 30x 0.05512.
gnomAD v4.1: 19,167 of 1,614,056 alleles (1.2%); highest among the groups gnomAD compares: Admixed American, 13%; 1,107 homozygotes.

Submission:

PreventionGenetics, part of Exact Sciences
Classification: Benign for COL15A1-related condition. Last evaluated: 2019-07-03. Review status: no assertion criteria provided. Collection method: clinical testing. Allele origin: germline.
Comment: This variant is classified as benign based on ACMG/AMP sequence variant interpretation guidelines (Richards et al. 2015 PMID: 25741868, with internal and published modifications).